The following is an entry in ClinVar:

ClinVar aggregate classification (germline): Likely pathogenic (1 of 4 stars; one submission).

Conditions:
Pyruvate dehydrogenase E3 deficiency (DLDD). Also called: Lipoamide dehydrogenase deficiency, lactic acidosis due to; Dihydrolipoamide Dehydrogenase (E3) Deficiency; MAPLE SYRUP URINE DISEASE, TYPE III; Dihydrolipoamide Dehydrogenase Deficiency; DLD DEFICIENCY; E3 DEFICIENCY. Identifiers: Orphanet 2394, Orphanet 765, MedGen C5574660, MONDO:0009529, OMIM 246900.

Submission:

Natera, Inc.
Classification: Likely pathogenic for Maple syrup urine disease type 3. Last evaluated: 2024-11-05. Review status: criteria provided, single submitter. Criteria: Natera Variant Classification Schema (03/2026). Collection method: clinical testing. Allele origin: germline.
Comment: The c.1147_1151del variant in DLD is a frameshift variant predicted to shift the reading frame and introduce a stop codon. This variant is expected to result in nonsense mediated decay, truncation, or a dysfunctional protein product. This variant is rare in the general population with a frequency below the threshold expected for the associated phenotype(s). Given the available evidence, this variant is classified as Likely Pathogenic.

NM_000108.5(DLD):c.1147_1151del (p.Val382_His383insTer)

Gene: DLD (dihydrolipoamide dehydrogenase; plus strand). Cytogenetic location: 7q31.1.
Variant type: Deletion.
Coding change: c.1147_1151del on transcript NM_000108.5 (MANE Select); coding-DNA positions 1147 to 1151, 5 bases deleted (CACAT; older notation c.1147_1151delCACAT).
Protein change: p.Val382_His383insTer.
Molecular consequence: nonsense.
Genome position (GRCh38, 1-based): chr7:107,917,373-107,917,377, CACAT deleted. VCF-style (leftmost placement, unchanged base first): chr7-107917372-GCACAT-G. GRCh37 (hg19) VCF-style: chr7-107557817-GCACAT-G.
Other names: c.850_854del, p.Val283_His284insTer (NM_001289750.1); c.1078_1082del, p.Val359_His360insTer (NM_001289751.1); c.1003_1007del, p.Val334_His335insTer (NM_001289752.1).
Identifiers: ClinVar variation 4817448 (VCV004817448.1).